The following is an entry in ClinVar:

NM_020806.5(GPHN):c.1238-12T>A

Gene: GPHN (gephyrin; plus strand). Cytogenetic location: 14q23.3.
Variant type: single nucleotide variant.
Coding change: c.1238-12T>A on transcript NM_020806.5 (MANE Select); 12 bases into the intron before coding-DNA position 1238, T replaced by A.
Molecular consequence: intron variant.
Genome position (GRCh38, 1-based): chr14:67,100,844, T>A. VCF-style: chr14-67100844-T-A. GRCh37 (hg19) VCF-style: chr14-67567561-T-A.
Other names: c.1298-12T>A (NM_001377514.1); c.1178-12T>A (NM_001377519.1); c.1268-12T>A (NM_001377515.1); c.1259-12T>A (NM_001377516.1); c.1196-12T>A (NM_001377518.1); c.1211-12T>A (NM_001377517.1); c.1139-12T>A (NM_001024218.2).
Identifiers: ClinVar variation 2838038 (VCV002838038.3), dbSNP rs2077662074, ClinGen allele CA2575555557.
Genomic context (GRCh38, chr14:67,100,844, plus strand): 5'-CCAATTTTAGGTTCTTGTTCCATGCTGTAGGTCCATACTGATGTTTGTTCTTGGCTCTGT[T>A]CCATCTCACAGCTGCTGATGGCCCAGGAGATCGTTTCATCATTGGGGAATCCCAAGCTGG-3'

ClinVar aggregate classification (germline): Uncertain significance (1 of 4 stars; one submission).

Conditions:
Sulfite oxidase deficiency due to molybdenum cofactor deficiency type C. Also called: Molybdenum cofactor deficiency, complementation group C; Molybdenum cofactor deficiency C. Identifiers: Orphanet 308400, Orphanet 833, MedGen C1854990, MONDO:0014212, OMIM 615501.

Allele frequency attached by ClinVar (database versions not stated): TOPMed below 0.00001.

Submission:

Labcorp Genetics (formerly Invitae), Labcorp
Classification: Uncertain significance for Sulfite oxidase deficiency due to molybdenum cofactor deficiency type C. Last evaluated: 2023-02-16. Review status: criteria provided, single submitter. Criteria: Invitae Variant Classification Sherloc (09022015). Collection method: clinical testing. Allele origin: germline.
Comment: This sequence change falls in intron 12 of the GPHN gene. It does not directly change the encoded amino acid sequence of the GPHN protein. This variant is not present in population databases (gnomAD no frequency). This variant has not been reported in the literature in individuals affected with GPHN-related conditions. Algorithms developed to predict the effect of sequence changes on RNA splicing suggest that this variant may disrupt the consensus splice site. In summary, the available evidence is currently insufficient to determine the role of this variant in disease. Therefore, it has been classified as a Variant of Uncertain Significance.